The following is an entry in ClinVar:

NM_198576.4(AGRN):c.2444G>A (p.Arg815His)

Gene: AGRN (agrin; plus strand). Cytogenetic location: 1p36.33.
Variant type: single nucleotide variant.
Coding change: c.2444G>A on transcript NM_198576.4 (MANE Select); coding-DNA position 2444, G replaced by A.
Protein change: p.Arg815His; replaces arginine 815 with histidine.
Molecular consequence: missense variant.
Genome position (GRCh38, 1-based): chr1:1,045,431, G>A. VCF-style: chr1-1045431-G-A. GRCh37 (hg19) VCF-style: chr1-980811-G-A.
Other names: c.2444G>A, p.Arg815His (NM_001305275.2); c.2129G>A, p.Arg710His (NM_001364727.2); short protein forms R815H, R710H.
Identifiers: ClinVar variation 3096801 (VCV003096801.2), dbSNP rs755142502, ClinGen allele CA508636.

ClinVar aggregate classification (germline): Uncertain significance. Review status: criteria provided, multiple submitters, no conflicts (2 of 4 stars). 2 submissions from 2 submitters: Uncertain significance (2). Last evaluated 2025-12-15.

Conditions:
Inborn genetic diseases. Identifiers: MedGen C0950123, MeSH D030342.
Congenital myasthenic syndrome 8. Also called: MYASTHENIC SYNDROME, CONGENITAL, DUE TO AGRIN DEFICIENCY; Myasthenic syndrome, congenital, 8, with pre- and postsynaptic defects. Identifiers: Orphanet 590, MedGen C3808739, MONDO:0014052, OMIM 615120.

Allele frequency attached by ClinVar (database versions not stated): ExAC 0.00002.
gnomAD v4.1: 32 of 1,612,140 alleles (0.002%); highest among the groups gnomAD compares: Middle Eastern, 0.033%; no homozygotes.

Submissions (2):

Labcorp Genetics (formerly Invitae), Labcorp
Classification: Uncertain significance for Congenital myasthenic syndrome 8. Last evaluated: 2025-12-15. Review status: criteria provided, single submitter. Criteria: Invitae Variant Classification Sherloc (09022015). Collection method: clinical testing. Allele origin: germline.
Comment: This sequence change replaces arginine, which is basic and polar, with histidine, which is basic and polar, at codon 815 of the AGRN protein (p.Arg815His). This variant is present in population databases (rs755142502, gnomAD 0.006%). This variant has not been reported in the literature in individuals affected with AGRN-related conditions. ClinVar contains an entry for this variant (Variation ID: 3096801). An algorithm developed to predict the effect of missense changes on protein structure and function (PolyPhen-2) suggests that this variant is likely to be disruptive. In summary, the available evidence is currently insufficient to determine the role of this variant in disease. Therefore, it has been classified as a Variant of Uncertain Significance.

Ambry Genetics
Classification: Uncertain significance for Inborn genetic diseases. Last evaluated: 2023-12-08. Review status: criteria provided, single submitter. Criteria: Ambry Variant Classification Scheme 2023. Collection method: clinical testing. Allele origin: germline.